The following is an entry in ClinVar:

NM_177438.3(DICER1):c.2327T>G (p.Val776Gly)

Gene: DICER1 (dicer 1, ribonuclease III; minus strand). Cytogenetic location: 14q32.13.
Variant type: single nucleotide variant.
Coding change: c.2327T>G on transcript NM_177438.3 (MANE Select); coding-DNA position 2327, T replaced by G.
Protein change: p.Val776Gly; replaces valine 776 with glycine.
Molecular consequence: missense variant.
Genome position (GRCh38, 1-based): chr14:95,108,433, A>C on the plus strand (T>G on the coding strand, the complement: DICER1 is on the minus strand). VCF-style: chr14-95108433-A-C. GRCh37 (hg19) VCF-style: chr14-95574770-A-C.
Other names: c.2327T>G, p.Val776Gly (NM_001195573.1, NM_001271282.3, NM_001291628.2 and 1 more transcripts); short protein forms V776G.
Identifiers: ClinVar variation 412105 (VCV000412105.14), dbSNP rs1060503618, ClinGen allele CA16614532.

ClinVar aggregate classification (germline): Uncertain significance. Review status: criteria provided, multiple submitters, no conflicts (2 of 4 stars). 3 submissions from 3 submitters: Uncertain significance (3). Last evaluated 2025-12-15.

Conditions:
Hereditary cancer-predisposing syndrome. Also called: Hereditary neoplastic syndrome; Neoplastic Syndromes, Hereditary; Tumor predisposition; Hereditary Cancer Syndrome. Identifiers: Orphanet 140162, MedGen C0027672, MeSH D009386, MONDO:0015356.
Global developmental delay - lung cysts - overgrowth - Wilms tumor syndrome. Also called: GLOW Syndrome; GLOBAL DEVELOPMENTAL DELAY, LUNG CYSTS, OVERGROWTH, AND WILMS TUMOR. Identifiers: Orphanet 404476, MedGen C4748924, MONDO:0018445, OMIM 618272.
DICER1-related tumor predisposition. Also called: DICER1-related pleuropulmonary blastoma cancer predisposition syndrome; DICER1 syndrome. Identifiers: Orphanet 284343, MedGen C3839822, MONDO:0100216.

Allele frequency attached by ClinVar (database versions not stated): gnomAD exomes below 0.00001.
gnomAD v4.1: 1 of 1,614,040 alleles (0.000062%); highest among the groups gnomAD compares: Non-Finnish European, 0.000085%; no homozygotes.

Submissions (3):

Labcorp Genetics (formerly Invitae), Labcorp
Classification: Uncertain significance for DICER1-related tumor predisposition. Last evaluated: 2025-12-15. Review status: criteria provided, single submitter. Criteria: Invitae Variant Classification Sherloc (09022015). Collection method: clinical testing. Allele origin: germline.
Comment: This sequence change replaces valine, which is neutral and non-polar, with glycine, which is neutral and non-polar, at codon 776 of the DICER1 protein (p.Val776Gly). This variant is not present in population databases (gnomAD no frequency). This variant has not been reported in the literature in individuals affected with DICER1-related conditions. ClinVar contains an entry for this variant (Variation ID: 412105). Invitae Evidence Modeling of protein sequence and biophysical properties (such as structural, functional, and spatial information, amino acid conservation, physicochemical variation, residue mobility, and thermodynamic stability) indicates that this missense variant is not expected to disrupt DICER1 protein function with a negative predictive value of 95%. In summary, the available evidence is currently insufficient to determine the role of this variant in disease. Therefore, it has been classified as a Variant of Uncertain Significance.

Ambry Genetics
Classification: Uncertain significance for Hereditary cancer-predisposing syndrome. Last evaluated: 2025-07-28. Review status: criteria provided, single submitter. Criteria: Ambry Variant Classification Scheme 2023. Collection method: clinical testing. Allele origin: germline.
Comment: The p.V776G variant (also known as c.2327T>G), located in coding exon 14 of the DICER1 gene, results from a T to G substitution at nucleotide position 2327. The valine at codon 776 is replaced by glycine, an amino acid with dissimilar properties. In a cohort of 300 deceased patients, who underwent whole genome sequencing for 60 autosomal dominant cancer predisposition genes, this variant was detected and classified as a variant of uncertain significance by the authors. However, the specific phenotype of the patient(s) with this alteration was not reported (He KY et al. PLoS ONE. 2016 Dec;11:e0167847). This amino acid position is highly conserved in available vertebrate species. In addition, this alteration is predicted to be deleterious by in silico analysis. Since supporting evidence is limited at this time, the clinical significance of this alteration remains unclear.

Baylor Genetics
Classification: Uncertain significance for Global developmental delay - lung cysts - overgrowth - Wilms tumor syndrome. Last evaluated: 2023-05-05. Review status: criteria provided, single submitter. Criteria: ACMG Guidelines, 2015. Collection method: clinical testing. Allele origin: unknown.

Literature cited by the submitters: PubMed 27930734 (cited by Ambry Genetics).